The following is an entry in ClinVar:

NM_173477.5(USH1G):c.499C>A (p.Arg167Ser)

Gene: USH1G (USH1 protein network component sans; minus strand). Cytogenetic location: 17q25.1.
Variant type: single nucleotide variant.
Coding change: c.499C>A on transcript NM_173477.5 (MANE Select); coding-DNA position 499, C replaced by A.
Protein change: p.Arg167Ser; replaces arginine 167 with serine.
Molecular consequence: missense variant.
Genome position (GRCh38, 1-based): chr17:74,920,337, G>T on the plus strand (C>A on the coding strand, the complement: USH1G is on the minus strand). VCF-style: chr17-74920337-G-T. GRCh37 (hg19) VCF-style: chr17-72916432-G-T.
Other names: c.190C>A, p.Arg64Ser (NM_001282489.3); short protein forms R167S, R64S.
Identifiers: ClinVar variation 1467481 (VCV001467481.6), dbSNP rs938957013, ClinGen allele CA400965040.

ClinVar aggregate classification (germline): Uncertain significance (1 of 4 stars; one submission).

Submission:

Labcorp Genetics (formerly Invitae), Labcorp
Classification: Uncertain significance. Last evaluated: 2022-08-16. Review status: criteria provided, single submitter. Criteria: Invitae Variant Classification Sherloc (09022015). Collection method: clinical testing. Allele origin: germline.
Comment: This sequence change replaces arginine, which is basic and polar, with serine, which is neutral and polar, at codon 167 of the USH1G protein (p.Arg167Ser). This variant is not present in population databases (gnomAD no frequency). This variant has not been reported in the literature in individuals affected with USH1G-related conditions. ClinVar contains an entry for this variant (Variation ID: 1467481). Algorithms developed to predict the effect of missense changes on protein structure and function are either unavailable or do not agree on the potential impact of this missense change (SIFT: "Not Available"; PolyPhen-2: "Benign"; Align-GVGD: "Not Available"). In summary, the available evidence is currently insufficient to determine the role of this variant in disease. Therefore, it has been classified as a Variant of Uncertain Significance.